The following is an entry in ClinVar:

ClinVar aggregate classification (germline): Uncertain significance (1 of 4 stars; one submission).

Conditions:
Hereditary cancer-predisposing syndrome. Also called: Neoplastic Syndromes, Hereditary; Tumor predisposition; Hereditary Cancer Syndrome; Hereditary neoplastic syndrome. Identifiers: Orphanet 140162, MedGen C0027672, MeSH D009386, MONDO:0015356.

Submission:

Ambry Genetics
Classification: Uncertain significance for Hereditary cancer-predisposing syndrome. Last evaluated: 2022-02-12. Review status: criteria provided, single submitter. Criteria: Ambry Variant Classification Scheme 2023. Collection method: clinical testing. Allele origin: germline.
Comment: The p.S628F variant (also known as c.1883C>T), located in coding exon 14 of the SDHA gene, results from a C to T substitution at nucleotide position 1883. The serine at codon 628 is replaced by phenylalanine, an amino acid with highly dissimilar properties. This amino acid position is conserved. In addition, the in silico prediction for this alteration is inconclusive. Since supporting evidence is limited at this time, the clinical significance of this alteration remains unclear.

NM_004168.4(SDHA):c.1883C>T (p.Ser628Phe)

Gene: SDHA (succinate dehydrogenase complex flavoprotein subunit A; plus strand). Cytogenetic location: 5p15.33.
Variant type: single nucleotide variant.
Coding change: c.1883C>T on transcript NM_004168.4 (MANE Select); coding-DNA position 1883, C replaced by T.
Protein change: p.Ser628Phe; replaces serine 628 with phenylalanine.
Molecular consequence: missense variant.
Genome position (GRCh38, 1-based): chr5:254,481, C>T. VCF-style: chr5-254481-C-T. GRCh37 (hg19) VCF-style: chr5-254596-C-T.
Other names: c.1739C>T, p.Ser580Phe (NM_001294332.2); c.1640C>T, p.Ser547Phe (NM_001330758.2); short protein forms S547F, S580F, S628F.
Identifiers: ClinVar variation 1781929 (VCV001781929.2), dbSNP rs1579445259, ClinGen allele CA359002137.